The following is an entry in ClinVar:

NM_000294.3(PHKG2):c.1147C>T (p.Pro383Ser)

Gene: PHKG2 (phosphorylase kinase catalytic subunit gamma 2; plus strand). Cytogenetic location: 16p11.2.
Variant type: single nucleotide variant.
Coding change: c.1147C>T on transcript NM_000294.3 (MANE Select); coding-DNA position 1147, C replaced by T.
Protein change: p.Pro383Ser; replaces proline 383 with serine.
Molecular consequence: missense variant. On other transcripts: intron variant (1).
Genome position (GRCh38, 1-based): chr16:30,757,023, C>T. VCF-style: chr16-30757023-C-T. GRCh37 (hg19) VCF-style: chr16-30768344-C-T.
Other names: c.1083+64C>T (NM_001172432.2); short protein forms P383S.
Identifiers: ClinVar variation 1367734 (VCV001367734.30), dbSNP rs920855301, ClinGen allele CA280541497.

ClinVar aggregate classification (germline): Uncertain significance. Review status: criteria provided, multiple submitters, no conflicts (2 of 4 stars). 2 submissions from 2 submitters: Uncertain significance (2). Last evaluated 2024-06-10.

Conditions:
Glycogen storage disease IXc (GSD9C). Also called: GSD IXc. Identifiers: Orphanet 264580, MedGen C2751643, MONDO:0013091, OMIM 613027.

Allele frequency attached by ClinVar (database versions not stated): gnomAD 0.00001; TOPMed 0.00001.

Submissions (2):

Labcorp Genetics (formerly Invitae), Labcorp
Classification: Uncertain significance for Glycogen storage disease IXc. Last evaluated: 2024-06-10. Review status: criteria provided, single submitter. Criteria: Invitae Variant Classification Sherloc (09022015). Collection method: clinical testing. Allele origin: germline.
Comment: This sequence change replaces proline with serine at codon 383 of the PHKG2 protein (p.Pro383Ser). The proline residue is highly conserved and there is a moderate physicochemical difference between proline and serine. This variant is not present in population databases (gnomAD no frequency). This variant has not been reported in the literature in individuals affected with PHKG2-related conditions. ClinVar contains an entry for this variant (Variation ID: 1367734). Advanced modeling of protein sequence and biophysical properties (such as structural, functional, and spatial information, amino acid conservation, physicochemical variation, residue mobility, and thermodynamic stability) performed at Invitae indicates that this missense variant is not expected to disrupt PHKG2 protein function with a negative predictive value of 95%. In summary, the available evidence is currently insufficient to determine the role of this variant in disease. Therefore, it has been classified as a Variant of Uncertain Significance.

CeGaT Center for Human Genetics Tuebingen
Classification: Uncertain significance. Last evaluated: 2023-10-01. Review status: criteria provided, single submitter. Criteria: CeGaT Center For Human Genetics Tuebingen Variant Classification Criteria Version 2. Collection method: clinical testing. Allele origin: germline. Affected: yes. Observed: 1 variant allele.
Comment: PHKG2: PM2, BP4